The following is an entry in ClinVar:

ClinVar aggregate classification (germline): Uncertain significance (1 of 4 stars; one submission).

Allele frequency attached by ClinVar (database versions not stated): gnomAD 0.00001; ExAC 0.00003.
gnomAD v4.1: 9 of 1,558,974 alleles (0.00058%); highest among the groups gnomAD compares: Admixed American, 0.017%; no homozygotes.

Submission:

Labcorp Genetics (formerly Invitae), Labcorp
Classification: Uncertain significance. Last evaluated: 2022-08-23. Review status: criteria provided, single submitter. Criteria: Invitae Variant Classification Sherloc (09022015). Collection method: clinical testing. Allele origin: germline.
Comment: This sequence change affects codon 1007 of the ADGRV1 mRNA. It is a 'silent' change, meaning that it does not change the encoded amino acid sequence of the ADGRV1 protein. It affects a nucleotide within the consensus splice site. This variant is present in population databases (rs753821867, gnomAD 0.03%). This variant has not been reported in the literature in individuals affected with ADGRV1-related conditions. Algorithms developed to predict the effect of sequence changes on RNA splicing suggest that this variant may disrupt the consensus splice site. In summary, the available evidence is currently insufficient to determine the role of this variant in disease. Therefore, it has been classified as a Variant of Uncertain Significance.

NM_032119.4(ADGRV1):c.3021A>G (p.Ala1007=)

Gene: ADGRV1 (adhesion G protein-coupled receptor V1; plus strand). Cytogenetic location: 5q14.3.
Variant type: single nucleotide variant.
Coding change: c.3021A>G on transcript NM_032119.4 (MANE Select); coding-DNA position 3021, A replaced by G.
Protein change: p.Ala1007=; no amino-acid change (alanine 1007 retained).
Molecular consequence: synonymous variant. On other transcripts: non-coding transcript variant (1).
Genome position (GRCh38, 1-based): chr5:90,646,090, A>G. VCF-style: chr5-90646090-A-G. GRCh37 (hg19) VCF-style: chr5-89941907-A-G.
Identifiers: ClinVar variation 2181989 (VCV002181989.1), dbSNP rs753821867, ClinGen allele CA3339081.
Genomic context (GRCh38, chr5:90,646,090, plus strand): 5'-GGGAAATAGAACAACTGCAACTCTGAGGATTAGAAGAAATGATGACCCCATTTATTTTGC[A>G]GGTGGTATTGCTGTCTTATTTGAATGAGTTTACATATTTCTTAAATAGTATATATAAATG-3'
Protein context (NP_115495.3, residues 997-1017): IRRNDDPIYF[Ala1007=]EPRVVRVQEG